The following is an entry in ClinVar:

NM_004656.4(BAP1):c.39C>G (p.Gly13=)

Gene: BAP1 (BRCA1 associated deubiquitinase 1; minus strand). Cytogenetic location: 3p21.1.
Variant type: single nucleotide variant.
Coding change: c.39C>G on transcript NM_004656.4 (MANE Select); coding-DNA position 39, C replaced by G.
Protein change: p.Gly13=; no amino-acid change (glycine 13 retained).
Molecular consequence: synonymous variant.
Genome position (GRCh38, 1-based): chr3:52,409,742, G>C on the plus strand (C>G on the coding strand, the complement: BAP1 is on the minus strand). VCF-style: chr3-52409742-G-C. GRCh37 (hg19) VCF-style: chr3-52443758-G-C.
Other names: c.39C>G, p.Gly13= (NM_001410772.1).
Identifiers: ClinVar variation 3379225 (VCV003379225.1).

ClinVar aggregate classification (germline): Benign (1 of 4 stars; one submission).

Conditions:
BAP1-related tumor predisposition syndrome (TPDS1). Also called: BAP1 tumor predisposition syndrome; Tumor susceptibility linked to germline BAP1 mutations; COMMON Syndrome; TUMOR PREDISPOSITION SYNDROME 1. Identifiers: Orphanet 289539, MedGen C3280492, MONDO:0013692, OMIM 614327.

Submission:

Myriad Genetics, Inc.
Classification: Benign for BAP1-related tumor predisposition syndrome. Last evaluated: 2024-07-11. Review status: criteria provided, single submitter. Criteria: Myriad Autosomal Dominant, Autosomal Recessive and X-Linked Classification Criteria (2023). Collection method: clinical testing. Allele origin: unknown.
Comment: This variant is considered benign. This variant is a silent/synonymous amino acid change and it is not expected to impact splicing.